The following is an entry in ClinVar:

ClinVar aggregate classification (germline): Pathogenic. Review status: criteria provided, multiple submitters, no conflicts (2 of 4 stars). 5 submissions from 4 submitters: Pathogenic (5). Last evaluated 2021-03-14.

Conditions:
Cavernous hemangioma. Identifiers: MedGen C0018920, MONDO:0003155, HP:0001048.
Cerebral cavernous malformation (CCM). Also called: Cerebral cavernous malformations; CAVERNOUS ANGIOMA, FAMILIAL; CAVERNOUS ANGIOMATOUS MALFORMATIONS; CEREBRAL CAPILLARY MALFORMATIONS; Cavernous Hemangioma of Brain; Cerebral cavernous hemangioma (type). Identifiers: Orphanet 221061, MedGen C2919945, MONDO:0000820, OMIM 116860, HP:0033522.

Submissions (5):

Labcorp Genetics (formerly Invitae), Labcorp
Classification: Pathogenic for Cerebral cavernous malformation. Last evaluated: 2021-03-14. Review status: criteria provided, single submitter. Criteria: Invitae Variant Classification Sherloc (09022015). Collection method: clinical testing. Allele origin: germline.
Comment: For these reasons, this variant has been classified as Pathogenic. Loss-of-function variants in KRIT1 are known to be pathogenic (PMID: 10508515, 11222804, 12404106, 24689081). This variant has been observed in several individuals with cerebral cavernous malformations (PMID: 10545614, 23595507, 24466005). This variant is also known as 281C>G, S94X in the literature. ClinVar contains an entry for this variant (Variation ID: 523476). This variant is not present in population databases (ExAC no frequency). This sequence change creates a premature translational stop signal (p.Ser301*) in the KRIT1 gene. It is expected to result in an absent or disrupted protein product.

Centre for Mendelian Genomics, University Medical Centre Ljubljana
Classification: Pathogenic for Cerebral cavernous malformation. Last evaluated: 2020-03-15. Review status: criteria provided, single submitter. Criteria: ACMG Guidelines, 2015. Collection method: clinical testing. Allele origin: unknown. Affected: yes.
Comment: This variant was classified as: Pathogenic. The following ACMG criteria were applied in classifying this variant: PVS1,PS4_MOD,PM2,PP4.

Genomic Medicine Lab, University of California San Francisco
Classification: Pathogenic for Cerebral cavernous malformation. Last evaluated: 2018-11-29. Review status: criteria provided, single submitter. Criteria: ACMG Guidelines, 2015. Collection method: clinical testing. Allele origin: de novo. Inheritance: Autosomal dominant inheritance. Affected: yes. Study: CSER.

Centre for Mendelian Genomics, University Medical Centre Ljubljana
Classification: Pathogenic for Cavernous hemangioma. Last evaluated: 2017-01-01. Review status: criteria provided, single submitter. Criteria: ACMG Guidelines, 2015. Collection method: clinical testing. Allele origin: unknown. Affected: yes.

PreventionGenetics, part of Exact Sciences
Classification: Pathogenic. Last evaluated: 2016-03-21. Review status: criteria provided, single submitter. Criteria: ACMG Guidelines, 2015. Collection method: clinical testing. Allele origin: germline.

Literature cited by the submitters: PubMed 10508515 (cited by Labcorp Genetics (formerly Invitae), Labcorp); PubMed 11222804 (cited by Labcorp Genetics (formerly Invitae), Labcorp); PubMed 12404106 (cited by Labcorp Genetics (formerly Invitae), Labcorp); PubMed 24689081 (cited by Labcorp Genetics (formerly Invitae), Labcorp); PubMed 10545614 (cited by Labcorp Genetics (formerly Invitae), Labcorp); PubMed 23595507 (cited by Labcorp Genetics (formerly Invitae), Labcorp); PubMed 24466005 (cited by Labcorp Genetics (formerly Invitae), Labcorp).

NM_194454.3(KRIT1):c.902C>G (p.Ser301Ter)

Gene: KRIT1 (KRIT1 ankyrin repeat containing; minus strand). Cytogenetic location: 7q21.2.
Variant type: single nucleotide variant.
Coding change: c.902C>G on transcript NM_194454.3 (MANE Select); coding-DNA position 902, C replaced by G.
Protein change: p.Ser301Ter; replaces serine 301 with a stop codon.
Molecular consequence: nonsense. On other transcripts: intron variant (3).
Genome position (GRCh38, 1-based): chr7:92,234,536, G>C on the plus strand (C>G on the coding strand, the complement: KRIT1 is on the minus strand). VCF-style: chr7-92234536-G-C. GRCh37 (hg19) VCF-style: chr7-91863850-G-C.
Other names: c.188C>G, p.Ser63Ter (NM_001350671.1); c.902C>G, p.Ser301Ter (NM_001350672.1, NM_001350673.1, NM_001350674.1 and 26 more transcripts); c.845+272C>G (NM_001350669.1, NM_001013406.2, NM_001350670.1); short protein forms S301*, S63*.
Identifiers: ClinVar variation 523476 (VCV000523476.16), dbSNP rs1554527169, ClinGen allele CA368157899.
Genomic context (GRCh38, chr7:92,234,536, plus strand): 5'-TGGTCACTATCTAACTGGTTGACTGAAAATCTTTCACTGAGAAGACGGCTTAGTAATTCT[G>C]AATCTCCTTCACAGGCGCTTCGGTGGAGAGGAAAATCATCTACCCACTGTCGTTCCCTAA-3'